The following is an entry in ClinVar:

ClinVar aggregate classification (germline): Uncertain significance (1 of 4 stars; one submission).

gnomAD v4.1: 10 of 1,527,086 alleles (0.00065%); highest among the groups gnomAD compares: African/African-American, 0.0014%; no homozygotes.

Submission:

Ambry Genetics
Classification: Uncertain significance. Last evaluated: 2024-12-02. Review status: criteria provided, single submitter. Criteria: Ambry Variant Classification Scheme 2023. Collection method: clinical testing. Allele origin: germline.
Comment: The p.T138M variant (also known as c.413C>T), located in coding exon 1 of the PALLD gene, results from a C to T substitution at nucleotide position 413. The threonine at codon 138 is replaced by methionine, an amino acid with similar properties. This amino acid position is conserved. In addition, this alteration is predicted to be tolerated by in silico analysis. Based on the available evidence, the clinical significance of this variant remains unclear.

NM_001166108.2(PALLD):c.1965-12618C>T

Gene: PALLD (palladin, cytoskeletal associated protein; plus strand). Cytogenetic location: 4q32.3.
Variant type: single nucleotide variant.
Coding change: c.1965-12618C>T on transcript NM_001166108.2 (MANE Select); 12618 bases into the intron before coding-DNA position 1965, C replaced by T.
Molecular consequence: intron variant. On other transcripts: missense variant (1).
Genome position (GRCh38, 1-based): chr4:168,878,304, C>T. VCF-style: chr4-168878304-C-T. GRCh37 (hg19) VCF-style: chr4-169799455-C-T.
Other names: c.413C>T, p.Thr138Met (NM_001166110.2); c.1965-12618C>T (NM_016081.4); c.819-12618C>T (NM_001166109.2); c.-157-12618C>T (NM_001367570.1, NM_001367568.1, NM_001367567.1 and 1 more transcripts); short protein forms T138M.
Identifiers: ClinVar variation 3413714 (VCV003413714.1).